The following is an entry in ClinVar:

ClinVar aggregate classification (germline): Benign/Likely benign. Review status: criteria provided, multiple submitters, no conflicts (2 of 4 stars). 3 submissions from 3 submitters: Benign (1); Likely benign (1). 1 of the submissions does not count toward it. Last evaluated 2026-01-17.

Conditions:
Deficiency of ferroxidase (ACEP). Also called: Ceruloplasmin deficiency; Familial apoceruloplasmin deficiency; Hereditary ceruloplasmin deficiency; NEURODEGENERATION WITH BRAIN IRON ACCUMULATION 10; Aceruloplasminemia; Deficiency of ceruloplasmin. Identifiers: Orphanet 48818, MedGen C0878682, MONDO:0011426, OMIM 604290, HP:0025498.
CP-related disorder. Also called: CP-related condition.

Allele frequency attached by ClinVar (database versions not stated): gnomAD exomes 0.00053 and 0.00025; ExAC 0.00071; 1000 Genomes Project 0.00140; 1000 Genomes Project 30x 0.00172; gnomAD 0.00003 and 0.00018.
gnomAD v4.1: 404 of 1,613,762 alleles (0.025%); highest among the groups gnomAD compares: South Asian, 0.34%; no homozygotes.

Submissions (4):

Labcorp Genetics (formerly Invitae), Labcorp
Classification: Benign for Deficiency of ferroxidase. Last evaluated: 2026-01-17. Review status: criteria provided, single submitter. Criteria: Invitae Variant Classification Sherloc (09022015). Collection method: clinical testing. Allele origin: germline.

Mayo Clinic Laboratories, Mayo Clinic
Classification: Likely benign. Last evaluated: 2025-10-07. Review status: criteria provided, single submitter. Criteria: ACMG Guidelines, 2015. Collection method: clinical testing. Allele origin: germline. Observed: 1 variant allele.
Comment: BS1, BP4, BP7

PreventionGenetics, part of Exact Sciences
Classification: Likely benign for CP-related condition. Last evaluated: 2024-09-26. Review status: no assertion criteria provided. Collection method: clinical testing. Allele origin: germline. Not counted in ClinVar's aggregate classification.
Comment: This variant is classified as likely benign based on ACMG/AMP sequence variant interpretation guidelines (Richards et al. 2015 PMID: 25741868, with internal and published modifications).

Dr. Peter K. Rogan Lab, Western University
No classification provided (evidence only). Condition: Ovarian serous cystadenocarcinoma. Review status: no classification provided. Collection method: in vitro. Allele origin: not applicable. Functional consequence: retained intron. Not counted in ClinVar's aggregate classification.

NM_000096.4(CP):c.1038C>T (p.Ala346=)

Gene: CP (ceruloplasmin; minus strand). Cytogenetic location: 3q25.1.
Variant type: single nucleotide variant.
Coding change: c.1038C>T on transcript NM_000096.4 (MANE Select); coding-DNA position 1038, C replaced by T.
Protein change: p.Ala346=; no amino-acid change (alanine 346 retained).
Molecular consequence: synonymous variant. On other transcripts: non-coding transcript variant (1).
Genome position (GRCh38, 1-based): chr3:149,206,338, G>A on the plus strand (C>T on the coding strand, the complement: CP is on the minus strand). VCF-style: chr3-149206338-G-A. GRCh37 (hg19) VCF-style: chr3-148924125-G-A.
Other names: p.Ala346=; c.1038C>T (NM_000096.3).
Identifiers: ClinVar variation 1164643 (VCV001164643.12), dbSNP rs146895584, ClinGen allele CA2661157.